The following is an entry in ClinVar:

NM_000276.4(OCRL):c.863A>C (p.Tyr288Ser)

Gene: OCRL (OCRL inositol polyphosphate-5-phosphatase; plus strand). Cytogenetic location: Xq26.1.
Variant type: single nucleotide variant.
Coding change: c.863A>C on transcript NM_000276.4 (MANE Select); coding-DNA position 863, A replaced by C.
Protein change: p.Tyr288Ser; replaces tyrosine 288 with serine.
Molecular consequence: missense variant.
Genome position (GRCh38, 1-based): chrX:129,561,217, A>C. VCF-style: chrX-129561217-A-C. GRCh37 (hg19) VCF-style: chrX-128695194-A-C.
Other names: c.866A>C, p.Tyr289Ser (NM_001318784.2); c.863A>C, p.Tyr288Ser (NM_001587.4); short protein forms Y288S, Y289S.
Identifiers: ClinVar variation 3409731 (VCV003409731.2).

ClinVar aggregate classification (germline): Uncertain significance. Review status: criteria provided, multiple submitters, no conflicts (2 of 4 stars). 2 submissions from 2 submitters: Uncertain significance (2). Last evaluated 2025-08-20.

Conditions:
Lowe syndrome (OCRL). Also called: LOWE OCULOCEREBRORENAL SYNDROME; PHOSPHATIDYLINOSITOL 4,5-BISPHOSPHATE 5-PHOSPHATASE DEFICIENCY; Oculocerebrorenal Syndrome. Identifiers: Orphanet 534, MedGen C0028860, MONDO:0010645, OMIM 309000.
Nephrolithiasis/nephrocalcinosis. Identifiers: MedGen CN580796.

gnomAD v4.1: 4 of 1,209,023 alleles (0.00033%); highest among the groups gnomAD compares: Non-Finnish European, 0.00034%; no homozygotes.

Submissions (2):

Labcorp Genetics (formerly Invitae), Labcorp
Classification: Uncertain significance for Lowe syndrome. Last evaluated: 2025-08-20. Review status: criteria provided, single submitter. Criteria: Invitae Variant Classification Sherloc (09022015). Collection method: clinical testing. Allele origin: germline.
Comment: This sequence change replaces tyrosine, which is neutral and polar, with serine, which is neutral and polar, at codon 288 of the OCRL protein (p.Tyr288Ser). This variant is not present in population databases (gnomAD no frequency). This variant has not been reported in the literature in individuals affected with OCRL-related conditions. ClinVar contains an entry for this variant (Variation ID: 3409731). Invitae Evidence Modeling of protein sequence and biophysical properties (such as structural, functional, and spatial information, amino acid conservation, physicochemical variation, residue mobility, and thermodynamic stability) indicates that this missense variant is not expected to disrupt OCRL protein function with a negative predictive value of 80%. In summary, the available evidence is currently insufficient to determine the role of this variant in disease. Therefore, it has been classified as a Variant of Uncertain Significance.

Ambry Genetics
Classification: Uncertain significance for Nephrolithiasis/nephrocalcinosis. Last evaluated: 2024-08-05. Review status: criteria provided, single submitter. Criteria: Ambry Variant Classification Scheme 2023. Collection method: clinical testing. Allele origin: germline.